The following is an entry in ClinVar:

ClinVar aggregate classification (germline): Uncertain significance (1 of 4 stars; one submission).

Conditions:
Myofibrillar myopathy 4. Also called: Zaspopathy (type). Identifiers: Orphanet 98912, MedGen C4721886, MONDO:0012277, OMIM 609452.

Submission:

Labcorp Genetics (formerly Invitae), Labcorp
Classification: Uncertain significance for Myofibrillar myopathy 4. Last evaluated: 2024-02-23. Review status: criteria provided, single submitter. Criteria: Invitae Variant Classification Sherloc (09022015). Collection method: clinical testing. Allele origin: germline.
Comment: The LDB3 gene has multiple clinically relevant transcripts. This variant occurs in alternate transcript NM_007078.3, and corresponds to NM_001080116.1:c.*17161C>T in the primary transcript. This sequence change affects codon 480 of the LDB3 mRNA. It is a 'silent' change, meaning that it does not change the encoded amino acid sequence of the LDB3 protein. This variant is not present in population databases (gnomAD no frequency). This variant has not been reported in the literature in individuals affected with LDB3-related conditions. Experimental studies and prediction algorithms are not available or were not evaluated, and the effect of this variant on mRNA splicing is currently unknown. In summary, the available evidence is currently insufficient to determine the role of this variant in disease. Therefore, it has been classified as a Variant of Uncertain Significance.

NM_007078.3(LDB3):c.1440C>T (p.Gly480=)

Gene: LDB3 (LIM domain binding 3; plus strand). Cytogenetic location: 10q23.2.
Variant type: single nucleotide variant.
Coding change: c.1440C>T on transcript NM_007078.3 (MANE Select); coding-DNA position 1440, C replaced by T.
Protein change: p.Gly480=; no amino-acid change (glycine 480 retained).
Molecular consequence: synonymous variant.
Genome position (GRCh38, 1-based): chr10:86,716,535, C>T. VCF-style: chr10-86716535-C-T. GRCh37 (hg19) VCF-style: chr10-88476292-C-T.
Other names: c.1110C>T, p.Gly370= (NM_001080114.2); c.1455C>T, p.Gly485= (NM_001171610.2); c.1251C>T, p.Gly417= (NM_001368064.1, NM_001368065.1); c.1299C>T, p.Gly433= (NM_001368066.1).
Identifiers: ClinVar variation 3642800 (VCV003642800.2).